The following is an entry in ClinVar:

ClinVar aggregate classification (germline): Uncertain significance (1 of 4 stars; one submission).

Allele frequency attached by ClinVar (database versions not stated): gnomAD exomes below 0.00001.
gnomAD v4.1: 1 of 1,614,226 alleles (0.000062%); highest among the groups gnomAD compares: Non-Finnish European, 0.000085%; no homozygotes.

Submission:

Ambry Genetics
Classification: Uncertain significance. Last evaluated: 2021-11-06. Review status: criteria provided, single submitter. Criteria: Ambry Variant Classification Scheme 2023. Collection method: clinical testing. Allele origin: germline.
Comment: The p.G1459R variant (also known as c.4375G>A), located in coding exon 4 of the ALPK2 gene, results from a G to A substitution at nucleotide position 4375. The glycine at codon 1459 is replaced by arginine, an amino acid with dissimilar properties. This amino acid position is conserved. In addition, this alteration is predicted to be tolerated by in silico analysis. Since supporting evidence is limited at this time, the clinical significance of this alteration remains unclear.

NM_052947.4(ALPK2):c.4375G>A (p.Gly1459Arg)

Genes: ALPK2 (alpha kinase 2; minus strand), LOC126862764 (BRD4-independent group 4 enhancer GRCh37_chr18:56202574-56203773; plus strand). Cytogenetic location: 18q21.31.
Variant type: single nucleotide variant.
Coding change: c.4375G>A on transcript NM_052947.4 (MANE Select); coding-DNA position 4375, G replaced by A.
Protein change: p.Gly1459Arg; replaces glycine 1459 with arginine.
Molecular consequence: missense variant.
Genome position (GRCh38, 1-based): chr18:58,535,812, C>T on the plus strand (G>A on the coding strand, the complement: ALPK2 is on the minus strand). VCF-style: chr18-58535812-C-T. GRCh37 (hg19) VCF-style: chr18-56203044-C-T.
Other names: short protein forms G1459R.
Identifiers: ClinVar variation 1740115 (VCV001740115.2), dbSNP rs1424267812, ClinGen allele CA402562902.